The following is an entry in ClinVar:

NM_001378454.1(ALMS1):c.11374C>T (p.Gln3792Ter)

Gene: ALMS1 (ALMS1 centrosome and basal body associated protein; plus strand). Cytogenetic location: 2p13.1.
Variant type: single nucleotide variant.
Coding change: c.11374C>T on transcript NM_001378454.1 (MANE Select); coding-DNA position 11374, C replaced by T.
Protein change: p.Gln3792Ter; replaces glutamine 3792 with a stop codon.
Molecular consequence: nonsense.
Genome position (GRCh38, 1-based): chr2:73,573,251, C>T. VCF-style: chr2-73573251-C-T. GRCh37 (hg19) VCF-style: chr2-73800378-C-T.
Other names: c.11377C>T, p.Gln3793Ter (NM_015120.4); short protein forms Q3792*, Q3793*.
Identifiers: ClinVar variation 2201820 (VCV002201820.4), dbSNP rs763850684, ClinGen allele CA347289345.

ClinVar aggregate classification (germline): Pathogenic (1 of 4 stars; one submission).

Conditions:
Alstrom syndrome (ALMS). Identifiers: Orphanet 64, MedGen C0268425, MONDO:0008763, OMIM 203800.

Submission:

Labcorp Genetics (formerly Invitae), Labcorp
Classification: Pathogenic for Alstrom syndrome. Last evaluated: 2023-11-10. Review status: criteria provided, single submitter. Criteria: Invitae Variant Classification Sherloc (09022015). Collection method: clinical testing. Allele origin: germline.
Comment: This sequence change creates a premature translational stop signal (p.Gln3793*) in the ALMS1 gene. It is expected to result in an absent or disrupted protein product. Loss-of-function variants in ALMS1 are known to be pathogenic (PMID: 17594715). This variant is not present in population databases (gnomAD no frequency). This variant has not been reported in the literature in individuals affected with ALMS1-related conditions. ClinVar contains an entry for this variant (Variation ID: 2201820). For these reasons, this variant has been classified as Pathogenic.

Literature cited by the submitters: PubMed 17594715.